The following is an entry in ClinVar:

ClinVar aggregate classification (germline): Likely benign. Review status: criteria provided, multiple submitters, no conflicts (2 of 4 stars). 2 submissions from 2 submitters: Likely benign (2). Last evaluated 2026-01-05.

Allele frequency attached by ClinVar (database versions not stated): gnomAD exomes 0.00006 and 0.00009; gnomAD 0.00007 and 0.00008; ExAC 0.00008; TOPMed 0.00009.
gnomAD v4.1: 89 of 1,607,208 alleles (0.0055%); highest among the groups gnomAD compares: Admixed American, 0.0083%; no homozygotes.

Submissions (2):

Labcorp Genetics (formerly Invitae), Labcorp
Classification: Likely benign. Last evaluated: 2026-01-05. Review status: criteria provided, single submitter. Criteria: Invitae Variant Classification Sherloc (09022015). Collection method: clinical testing. Allele origin: germline.

CeGaT Center for Human Genetics Tuebingen
Classification: Likely benign. Last evaluated: 2023-02-01. Review status: criteria provided, single submitter. Criteria: CeGaT Center For Human Genetics Tuebingen Variant Classification Criteria Version 2. Collection method: clinical testing. Allele origin: germline. Affected: yes. Observed: 1 variant allele.
Comment: SPTBN2: BP4

NM_006946.4(SPTBN2):c.1351-8C>T

Gene: SPTBN2 (spectrin beta, non-erythrocytic 2; minus strand). Cytogenetic location: 11q13.2.
Variant type: single nucleotide variant.
Coding change: c.1351-8C>T on transcript NM_006946.4 (MANE Select); 8 bases into the intron before coding-DNA position 1351, C replaced by T.
Molecular consequence: intron variant.
Genome position (GRCh38, 1-based): chr11:66,707,826, G>A on the plus strand (C>T on the coding strand, the complement: SPTBN2 is on the minus strand). VCF-style: chr11-66707826-G-A. GRCh37 (hg19) VCF-style: chr11-66475297-G-A.
Identifiers: ClinVar variation 1561789 (VCV001561789.35), dbSNP rs753293444, ClinGen allele CA6129393.